The following is an entry in ClinVar:

ClinVar aggregate classification (germline): Uncertain significance (1 of 4 stars; one submission).

Submission:

Labcorp Genetics (formerly Invitae), Labcorp
Classification: Uncertain significance. Last evaluated: 2022-08-16. Review status: criteria provided, single submitter. Criteria: Invitae Variant Classification Sherloc (09022015). Collection method: clinical testing. Allele origin: germline.
Comment: In summary, the available evidence is currently insufficient to determine the role of this variant in disease. Therefore, it has been classified as a Variant of Uncertain Significance. Algorithms developed to predict the effect of missense changes on protein structure and function are either unavailable or do not agree on the potential impact of this missense change (SIFT: "Deleterious"; PolyPhen-2: "Probably Damaging"; Align-GVGD: "Class C0"). This variant has not been reported in the literature in individuals affected with GPR179-related conditions. This variant is not present in population databases (gnomAD no frequency). This sequence change replaces proline, which is neutral and non-polar, with serine, which is neutral and polar, at codon 1594 of the GPR179 protein (p.Pro1594Ser).

NM_001004334.4(GPR179):c.4780C>T (p.Pro1594Ser)

Gene: GPR179 (G protein-coupled receptor 179; minus strand). Cytogenetic location: 17q12.
Variant type: single nucleotide variant.
Coding change: c.4780C>T on transcript NM_001004334.4 (MANE Select); coding-DNA position 4780, C replaced by T.
Protein change: p.Pro1594Ser; replaces proline 1594 with serine.
Molecular consequence: missense variant.
Genome position (GRCh38, 1-based): chr17:38,328,789, G>A on the plus strand (C>T on the coding strand, the complement: GPR179 is on the minus strand). VCF-style: chr17-38328789-G-A. GRCh37 (hg19) VCF-style: chr17-36484672-G-A.
Other names: short protein forms P1594S.
Identifiers: ClinVar variation 1915389 (VCV001915389.5), dbSNP rs574113815, ClinGen allele CA398876126.